The following is an entry in ClinVar:

ClinVar aggregate classification (germline): Likely benign (1 of 4 stars; one submission).

gnomAD v4.1: 1,301 of 1,613,986 alleles (0.081%); highest among the groups gnomAD compares: Middle Eastern, 0.49%; 7 homozygotes.

Submission:

CeGaT Center for Human Genetics Tuebingen
Classification: Likely benign. Last evaluated: 2024-07-01. Review status: criteria provided, single submitter. Criteria: CeGaT Center For Human Genetics Tuebingen Variant Classification Criteria Version 2. Collection method: clinical testing. Allele origin: germline. Affected: yes. Observed: 1 variant allele.
Comment: ALOX12: BP4, BS1

NM_000697.3(ALOX12):c.399A>C (p.Lys133Asn)

Genes: ALOX12 (arachidonate 12-lipoxygenase, 12S type; plus strand), ALOX12-AS1 (ALOX12 antisense RNA 1; minus strand). Cytogenetic location: 17p13.1.
Variant type: single nucleotide variant.
Coding change: c.399A>C on transcript NM_000697.3 (MANE Select); coding-DNA position 399, A replaced by C.
Protein change: p.Lys133Asn; replaces lysine 133 with asparagine.
Molecular consequence: missense variant.
Genome position (GRCh38, 1-based): chr17:6,998,570, A>C. VCF-style: chr17-6998570-A-C. GRCh37 (hg19) VCF-style: chr17-6901889-A-C.
Other names: short protein forms K133N.
Identifiers: ClinVar variation 3256964 (VCV003256964.17).